The following is an entry in ClinVar:

NM_000548.5(TSC2):c.5177A>C (p.His1726Pro)

Gene: TSC2 (TSC complex subunit 2; plus strand). Cytogenetic location: 16p13.3.
Variant type: single nucleotide variant.
Coding change: c.5177A>C on transcript NM_000548.5 (MANE Select); coding-DNA position 5177, A replaced by C.
Protein change: p.His1726Pro; replaces histidine 1726 with proline.
Molecular consequence: missense variant.
Genome position (GRCh38, 1-based): chr16:2,088,243, A>C. VCF-style: chr16-2088243-A-C. GRCh37 (hg19) VCF-style: chr16-2138244-A-C.
Other names: c.5177A>C (NM_000548.4); c.4976A>C, p.His1659Pro (NM_001077183.3); c.5108A>C, p.His1703Pro (NM_001114382.3); c.4868A>C, p.His1623Pro (NM_001318827.2); c.4832A>C, p.His1611Pro (NM_001318829.2); c.4445A>C, p.His1482Pro (NM_001318831.2); c.5009A>C, p.His1670Pro (NM_001318832.2); c.4979A>C, p.His1660Pro (NM_001363528.2); and 3 more; short protein forms H1726P, H1611P, H1623P, H1659P, H1660P, H1670P, H1682P, H1683P.
Identifiers: ClinVar variation 468144 (VCV000468144.20), dbSNP rs1555440475, ClinGen allele CA394314050.

ClinVar aggregate classification (germline): Conflicting classifications of pathogenicity. Review status: criteria provided, conflicting classifications (1 of 4 stars). 7 submissions from 7 submitters: Uncertain significance (6); Benign (1). Last evaluated 2025-07-03.

Conditions:
Isolated focal cortical dysplasia type II (FCORD2). Also called: CORTICAL DYSPLASIA OF TAYLOR; Focal cortical dysplasia type II. Identifiers: Orphanet 268994, MedGen C1846385, MONDO:0011818, OMIM 607341, HP:0032051.
TSC2-related disorder. Also called: TSC2-related condition; TSC2-Related Disorders.
Tuberous sclerosis syndrome (TSC). Also called: Tuberous Sclerosis Complex; Tuberous sclerosis. Identifiers: Orphanet 805, MedGen C0041341, MONDO:0001734.
Tuberous sclerosis 2 (TSC2). Identifiers: Orphanet 805, MedGen C1860707, MONDO:0013199, OMIM 613254.
Hereditary cancer-predisposing syndrome. Also called: Hereditary neoplastic syndrome; Neoplastic Syndromes, Hereditary; Tumor predisposition; Hereditary Cancer Syndrome. Identifiers: Orphanet 140162, MedGen C0027672, MeSH D009386, MONDO:0015356.

Allele frequency attached by ClinVar (database versions not stated): gnomAD exomes below 0.00001.
gnomAD v4.1: 1 of 1,601,420 alleles (0.000062%); highest among the groups gnomAD compares: Non-Finnish European, 0.000085%; no homozygotes.

Submissions (7):

Labcorp Genetics (formerly Invitae), Labcorp
Classification: Benign for Tuberous sclerosis 2. Last evaluated: 2025-07-03. Review status: criteria provided, single submitter. Criteria: Invitae Variant Classification Sherloc (09022015). Collection method: clinical testing. Allele origin: germline.

Ambry Genetics
Classification: Uncertain significance for Hereditary cancer-predisposing syndrome. Last evaluated: 2024-02-13. Review status: criteria provided, single submitter. Criteria: Ambry Variant Classification Scheme 2023. Collection method: clinical testing. Allele origin: germline.
Comment: The p.H1726P variant (also known as c.5177A>C), located in coding exon 40 of the TSC2 gene, results from an A to C substitution at nucleotide position 5177. The histidine at codon 1726 is replaced by proline, an amino acid with similar properties. This amino acid position is highly conserved in available vertebrate species. In addition, this alteration is predicted to be deleterious by in silico analysis. Based on the available evidence, the clinical significance of this alteration remains unclear.

GeneDx
Classification: Uncertain significance. Last evaluated: 2024-02-02. Review status: criteria provided, single submitter. Criteria: GeneDx Variant Classification Process June 2021. Collection method: clinical testing. Allele origin: germline. Affected: yes.
Comment: Not observed at significant frequency in large population cohorts (gnomAD); In silico analysis supports that this missense variant has a deleterious effect on protein structure/function; Observed in an individual with unspecified features of tuberous sclerosis complex (PMID: 37356622); This variant is associated with the following publications: (PMID: 37356622)

All of Us Research Program, National Institutes of Health
Classification: Uncertain significance for Tuberous sclerosis syndrome. Last evaluated: 2023-11-30. Review status: criteria provided, single submitter. Criteria: ACMG Guidelines, 2015. Collection method: clinical testing. Allele origin: germline. Inheritance: Autosomal dominant inheritance. Observed: 3 variant alleles, 3 heterozygotes.
Comment: This missense variant replaces histidine with proline at codon 1726 of the TSC2 protein. Computational prediction suggests that this variant may have deleterious impact on protein structure and function (internally defined REVEL score threshold >= 0.7, PMID: 27666373). To our knowledge, functional studies have not been reported for this variant. This variant has not been reported in individuals affected with h tuberous sclerosis complex (TSC) in the literature. This variant has not been identified in the general population by the Genome Aggregation Database (gnomAD). The available evidence is insufficient to determine the role of this variant in disease conclusively. Therefore, this variant is classified as a Variant of Uncertain Significance.

This study involves interpretation of variants in research participants for the purpose of population health screening. Participant phenotype was not available at the time of variant classification. Additional details can be found in publication PMID: 35346344, PMCID: PMC8962531

Baylor Genetics
Classification: Uncertain significance for Isolated focal cortical dysplasia type II. Last evaluated: 2023-11-12. Review status: criteria provided, single submitter. Criteria: ACMG Guidelines, 2015. Collection method: clinical testing. Allele origin: unknown.

PreventionGenetics, part of Exact Sciences
Classification: Uncertain significance for TSC2-related condition. Last evaluated: 2022-11-03. Review status: criteria provided, single submitter. Criteria: ACMG Guidelines, 2015. Collection method: clinical testing. Allele origin: germline.
Comment: The TSC2 c.5177A>C variant is predicted to result in the amino acid substitution p.His1726Pro. To our knowledge, this variant has not been reported in the literature or in a large population database, indicating this variant is rare. At this time, the clinical significance of this variant is uncertain due to the absence of conclusive functional and genetic evidence.

Genome-Nilou Lab
Classification: Uncertain significance for Tuberous sclerosis 2. Last evaluated: 2021-11-07. Review status: criteria provided, single submitter. Criteria: ACMG Guidelines, 2015. Collection method: clinical testing. Allele origin: germline. Affected: no.